The following is an entry in ClinVar:

NM_130839.5(UBE3A):c.1609-20dup

Genes: SNHG14 (small nucleolar RNA host gene 14; plus strand), UBE3A (ubiquitin protein ligase E3A; minus strand). Cytogenetic location: 15q11.2.
Variant type: Duplication.
Coding change: c.1609-20dup on transcript NM_130839.5 (MANE Select); 20 bases into the intron before coding-DNA position 1609, one base duplicated (T; older notation c.1609-20dupT).
Molecular consequence: intron variant.
Genome position (GRCh38, 1-based): chr15:25,360,545, A duplicated on the plus strand (T on the coding strand, the reverse complement: UBE3A is on the minus strand); the first of 3 consecutive A bases (chr15:25,360,545-25,360,547); duplicating any one gives the same sequence. VCF-style (leftmost placement, unchanged base first): chr15-25360544-T-TA. GRCh37 (hg19) VCF-style: chr15-25605691-T-TA.
Other names: c.1549-18dupT (NM_130838.1); c.1432-20dup (NM_001354546.2); c.302-24dup (NM_001354551.2); c.1549-20dup (NM_001354549.2, NM_001354548.2, NM_130838.4 and 17 more transcripts); c.362-24dup (NM_001354550.2); c.1609-20dup (NM_001354545.2, NM_001354538.2, NM_001354505.1); c.1618-20dup (NM_000462.5).
Identifiers: ClinVar variation 420682 (VCV000420682.4), dbSNP rs779671805, ClinGen allele CA7435510.

ClinVar aggregate classification (germline): Likely benign. Review status: criteria provided, multiple submitters, no conflicts (2 of 4 stars). 2 submissions from 2 submitters: Likely benign (2). Last evaluated 2025-10-29.

Conditions:
Angelman syndrome (AS). Also called: HAPPY PUPPET SYNDROME. Identifiers: Orphanet 72, MedGen C0162635, MONDO:0007113, OMIM 105830. Disease mechanism: loss of function. Inheritance: AS is caused by disruption of maternally imprinted UBE3A located within the 15q11.2-q13 Angelman syndrome/Prader-Willi syndrome (AS/PWS) region., imprinting disorder.

Submissions (2):

Labcorp Genetics (formerly Invitae), Labcorp
Classification: Likely benign for Angelman syndrome. Last evaluated: 2025-10-29. Review status: criteria provided, single submitter. Criteria: Invitae Variant Classification Sherloc (09022015). Collection method: clinical testing. Allele origin: germline.

GeneDx
Classification: Likely benign. Last evaluated: 2016-03-29. Review status: criteria provided, single submitter. Criteria: GeneDx Variant Classification (06012015). Collection method: clinical testing. Allele origin: germline. Affected: yes.
Comment: This variant is considered likely benign or benign based on one or more of the following criteria: it is a conservative change, it occurs at a poorly conserved position in the protein, it is predicted to be benign by multiple in silico algorithms, and/or has population frequency not consistent with disease.